The following is an entry in ClinVar:

ClinVar aggregate classification (germline): Uncertain significance (1 of 4 stars; one submission).

Conditions:
SCP2-related disorder. Also called: SCP2-related condition.

gnomAD v4.1: 1 of 1,613,906 alleles (0.000062%); highest among the groups gnomAD compares: Non-Finnish European, 0.000085%; no homozygotes.

Submission:

PreventionGenetics, part of Exact Sciences
Classification: Uncertain significance for SCP2-related condition. Last evaluated: 2026-06-03. Review status: criteria provided, single submitter. Criteria: ACMG Guidelines, 2015. Collection method: clinical testing. Allele origin: germline.
Comment: The SCP2 c.1235+3G>T variant is predicted to interfere with splicing. To our knowledge, this variant has not been reported in the literature or in a large population database (gnomAD), indicating this variant is rare. This variant is predicted to alter splicing based on available splicing prediction programs (SpliceAI, Jaganathan et al. 2019. PubMed ID: 30661751). However, the use of computer prediction programs is not equivalent to functional evidence. At this time, the clinical significance of this variant is uncertain due to the absence of conclusive functional and genetic evidence.

NM_002979.5(SCP2):c.1235+3G>T

Gene: SCP2 (sterol carrier protein 2; plus strand). Cytogenetic location: 1p32.3.
Variant type: single nucleotide variant.
Coding change: c.1235+3G>T on transcript NM_002979.5 (MANE Select); 3 bases into the intron after coding-DNA position 1235, G replaced by T.
Molecular consequence: intron variant.
Genome position (GRCh38, 1-based): chr1:53,015,046, G>T. VCF-style: chr1-53015046-G-T. GRCh37 (hg19) VCF-style: chr1-53480718-G-T.
Other names: c.1103+3G>T (NM_001193600.2); c.1163+3G>T (NM_001193599.2); c.992+3G>T (NM_001193617.2); c.23+3G>T (NM_001007099.3, NM_001007250.3, NM_001007100.3).
Identifiers: ClinVar variation 4993410 (VCV004993410.1).